The following is an entry in ClinVar:

NM_003177.7(SYK):c.1497T>C (p.Asn499=)

Gene: SYK (spleen associated tyrosine kinase; plus strand). Cytogenetic location: 9q22.2.
Variant type: single nucleotide variant.
Coding change: c.1497T>C on transcript NM_003177.7 (MANE Select); coding-DNA position 1497, T replaced by C.
Protein change: p.Asn499=; no amino-acid change (asparagine 499 retained).
Molecular consequence: synonymous variant.
Genome position (GRCh38, 1-based): chr9:90,878,869, T>C. VCF-style: chr9-90878869-T-C. GRCh37 (hg19) VCF-style: chr9-93641151-T-C.
Other names: p.Asn499=; c.1428T>C, p.Asn476= (NM_001135052.4, NM_001174168.3); c.1497T>C, p.Asn499= (NM_001174167.3).
Identifiers: ClinVar variation 4683401 (VCV004683401.2).

ClinVar aggregate classification (germline): Benign. Review status: criteria provided, multiple submitters, no conflicts (2 of 4 stars). 2 submissions from 2 submitters: Benign (2). Last evaluated 2026-01-29.

gnomAD v4.1: 38,703 of 1,614,136 alleles (2.4%); highest among the groups gnomAD compares: East Asian, 20%; 1,590 homozygotes.

Submissions (2):

Women's Health and Genetics/Laboratory Corporation of America, LabCorp
Classification: Benign. Last evaluated: 2026-01-29. Review status: criteria provided, single submitter. Criteria: LabCorp Variant Classification Summary - May 2015. Collection method: clinical testing. Allele origin: germline.
Comment: Variant summary: SYK c.1497T>C alters a conserved nucleotide resulting in a synonymous change. Consensus agreement among computation tools predict no significant impact on normal splicing. However, these predictions have yet to be confirmed by functional studies. The variant allele was found at a frequency of 0.038 in 251444 control chromosomes in the gnomAD database, including 688 homozygotes. The observed variant frequency exceeds the estimated maximal expected allele frequency for disease-causing variants in SYK. To our knowledge, no occurrence of c.1497T>C in individuals affected with SYK-related conditions and no experimental evidence demonstrating its impact on protein function have been reported. ClinVar contains an entry for this variant (Variation ID: 4683401). Based on the evidence outlined above, the variant was classified as benign.

Mayo Clinic Laboratories, Mayo Clinic
Classification: Benign. Last evaluated: 2022-09-06. Review status: criteria provided, single submitter. Criteria: ACMG Guidelines, 2015. Collection method: clinical testing. Allele origin: germline. Observed: 3 variant alleles.